The following is an entry in ClinVar:

NM_001018115.3(FANCD2):c.1546-1G>A

Genes: FANCD2 (FA complementation group D2; plus strand), LOC107303338 (3p25 FANCD2 Alu-mediated recombination region; plus strand). Cytogenetic location: 3p25.3.
Variant type: single nucleotide variant.
Coding change: c.1546-1G>A on transcript NM_001018115.3 (MANE Select); the canonical splice acceptor site of the intron before coding-DNA position 1546, G replaced by A.
Molecular consequence: splice acceptor variant. On other transcripts: intron variant (1).
Genome position (GRCh38, 1-based): chr3:10,052,386, G>A. VCF-style: chr3-10052386-G-A. GRCh37 (hg19) VCF-style: chr3-10094070-G-A.
Other names: c.1546-1G>A (NM_001319984.2, NM_033084.6, NM_001374254.1); c.1545+2881G>A (NM_001374253.1).
Identifiers: ClinVar variation 2883351 (VCV002883351.3), dbSNP rs2469932773, ClinGen allele CA351739631.

ClinVar aggregate classification (germline): Likely pathogenic (1 of 4 stars; one submission).

Conditions:
Fanconi anemia (FA). Also called: Fanconi's anemia. Identifiers: Orphanet 84, MedGen C0015625, MeSH D005199, MONDO:0019391.

Allele frequency attached by ClinVar (database versions not stated): gnomAD exomes below 0.00001.
gnomAD v4.1: 2 of 1,590,338 alleles (0.00013%); highest among the groups gnomAD compares: Non-Finnish European, 0.00017%; no homozygotes.

Submission:

Labcorp Genetics (formerly Invitae), Labcorp
Classification: Likely pathogenic for Fanconi anemia. Last evaluated: 2023-04-08. Review status: criteria provided, single submitter. Criteria: Invitae Variant Classification Sherloc (09022015). Collection method: clinical testing. Allele origin: germline.
Comment: This sequence change affects an acceptor splice site in intron 17 of the FANCD2 gene. It is expected to disrupt RNA splicing. Variants that disrupt the donor or acceptor splice site typically lead to a loss of protein function (PMID: 16199547), and loss-of-function variants in FANCD2 are known to be pathogenic (PMID: 17436244). In summary, the currently available evidence indicates that the variant is pathogenic, but additional data are needed to prove that conclusively. Therefore, this variant has been classified as Likely Pathogenic. Algorithms developed to predict the effect of sequence changes on RNA splicing suggest that this variant may disrupt the consensus splice site. This variant has not been reported in the literature in individuals affected with FANCD2-related conditions. This variant is not present in population databases (gnomAD no frequency).

Literature cited by the submitters: PubMed 16199547; PubMed 17436244.